The following is an entry in ClinVar:

NM_001319074.4(RAX2):c.-45G>A

Gene: RAX2 (retina and anterior neural fold homeobox 2; minus strand). Cytogenetic location: 19p13.3.
Variant type: single nucleotide variant.
Coding change: c.-45G>A on transcript NM_001319074.4 (MANE Select); 45 bases upstream of the start codon, G replaced by A.
Molecular consequence: 5 prime UTR variant. On other transcripts: intron variant (1).
Genome position (GRCh38, 1-based): chr19:3,771,787, C>T on the plus strand (G>A on the coding strand, the complement: RAX2 is on the minus strand). VCF-style: chr19-3771787-C-T. GRCh37 (hg19) VCF-style: chr19-3771785-C-T.
Other names: c.-9-36G>A (NM_032753.4).
Identifiers: ClinVar variation 3044713 (VCV003044713.2), dbSNP rs143887958, ClinGen allele CA9085158.
Genomic context (GRCh38, chr19:3,771,787, plus strand): 5'-CCGGGCTCAGGAACATGGCTCCCACCTGGTGGGACGGCAGCGGGACAGATGGTGGGGAGA[C>T]GGCTGGGGGGGCTACCGGCAGGGACAGGGCAGGGGAGCCCCAGGCTTGCCTCCCGGCTCC-3'

ClinVar aggregate classification (germline): Benign (0 of 4 stars; one submission).

Conditions:
RAX2-related disorder. Also called: RAX2-related disorders; RAX2-related condition.

Allele frequency attached by ClinVar (database versions not stated): ExAC 0.00385; ESP Exome Variant Server 0.00457; gnomAD 0.00639; TOPMed 0.00662; 1000 Genomes Project 0.00719; 1000 Genomes Project 30x 0.00781.
gnomAD v4.1: 1,909 of 1,537,888 alleles (0.12%); highest among the groups gnomAD compares: African/African-American, 2.2%; 16 homozygotes.

Submission:

PreventionGenetics, part of Exact Sciences
Classification: Benign for RAX2-related condition. Last evaluated: 2019-06-17. Review status: no assertion criteria provided. Collection method: clinical testing. Allele origin: germline.
Comment: This variant is classified as benign based on ACMG/AMP sequence variant interpretation guidelines (Richards et al. 2015 PMID: 25741868, with internal and published modifications).